The following is an entry in ClinVar:

NM_004320.6(ATP2A1):c.1546-6T>A

Gene: ATP2A1 (ATPase sarcoplasmic/endoplasmic reticulum Ca2+ transporting 1; plus strand). Cytogenetic location: 16p11.2.
Variant type: single nucleotide variant.
Coding change: c.1546-6T>A on transcript NM_004320.6 (MANE Select); 6 bases into the intron before coding-DNA position 1546, T replaced by A.
Molecular consequence: intron variant.
Genome position (GRCh38, 1-based): chr16:28,898,227, T>A. VCF-style: chr16-28898227-T-A. GRCh37 (hg19) VCF-style: chr16-28909548-T-A.
Other names: c.1546-6T>A (NM_173201.5); c.1171-6T>A (NM_001286075.2).
Identifiers: ClinVar variation 432575 (VCV000432575.2), dbSNP rs1555516687, ClinGen allele CA645373046.

ClinVar aggregate classification (germline): Uncertain significance (1 of 4 stars; one submission).

Submission:

GeneDx
Classification: Uncertain significance. Last evaluated: 2017-06-09. Review status: criteria provided, single submitter. Criteria: GeneDx Variant Classification (06012015). Collection method: clinical testing. Allele origin: germline. Affected: yes.
Comment: A variant of uncertain significance has been identified in the ATP2A1 gene. The c.1546-6 T>A variant has not been published as a pathogenic variant, nor has it been reported as a benign variant to our knowledge. The c.1546-6 T>A variant is not observed in large population cohorts (Lek et al., 2016; 1000 Genomes Consortium et al., 2015; Exome Variant Server). Several in-silico splice prediction models predict that c.1546-6 T>A damages the natural acceptor site of intron 13 and may lead to abnormal gene splicing. However, in the absence of RNA/functional studies, the actual effect of this sequence change in this individual is unknown. Therefore, based on the currently available information, it is unclear whether this variant is a pathogenic variant or a rare benign variant.